The following is an entry in ClinVar:

ClinVar aggregate classification (germline): Uncertain significance. Review status: criteria provided, multiple submitters, no conflicts (2 of 4 stars). 2 submissions from 2 submitters: Uncertain significance (2). Last evaluated 2025-02-23.

Conditions:
Malignant hyperthermia, susceptibility to, 1 (MHS1). Also called: Anesthesia related hyperthermia; Malignant hyperpyrexia; Fulminating hyperpyrexia; Pharmacogenic myopathy; RYR1-Related Malignant Hyperthermia Susceptibility; Malignant hyperthermia suceptibility 1. Identifiers: Orphanet 423, MedGen C2930980, MONDO:0007783, OMIM 145600.

gnomAD v4.1: 2 of 1,614,170 alleles (0.00012%); highest among the groups gnomAD compares: Non-Finnish European, 0.00017%; no homozygotes.

Submissions (2):

GeneDx
Classification: Uncertain significance. Last evaluated: 2025-02-23. Review status: criteria provided, single submitter. Criteria: GeneDx Variant Classification Process June 2021. Collection method: clinical testing. Allele origin: germline. Affected: yes.
Comment: Not observed at significant frequency in large population cohorts (gnomAD); In silico analysis supports that this missense variant has a deleterious effect on protein structure/function; Has not been previously published as pathogenic or benign to our knowledge

All of Us Research Program, National Institutes of Health
Classification: Uncertain significance for Malignant hyperthermia, susceptibility to, 1. Last evaluated: 2024-04-25. Review status: criteria provided, single submitter. Criteria: ACMG Guidelines, 2015. Collection method: clinical testing. Allele origin: germline. Inheritance: Autosomal dominant inheritance. Observed: 1 variant allele, 1 heterozygote.
Comment: This missense variant replaces leucine with proline at codon 632 of the RYR1 protein. Computational prediction suggests that this variant may have deleterious impact on protein structure and function (internally defined REVEL score threshold >= 0.7, PMID: 27666373). To our knowledge, functional studies have not been reported for this variant. This variant has not been reported in individuals affected with RYR1-related disorders in the literature. This variant has been identified in 1/251494 chromosomes in the general population by the Genome Aggregation Database (gnomAD). The available evidence is insufficient to determine the role of this variant in disease conclusively. Therefore, this variant is classified as a Variant of Uncertain Significance.

This study involves interpretation of variants in research participants for the purpose of population health screening. Participant phenotype was not available at the time of variant classification. Additional details can be found in publication PMID: 35346344, PMCID: PMC8962531

NM_000540.3(RYR1):c.1895T>C (p.Leu632Pro)

Gene: RYR1 (ryanodine receptor 1; plus strand). Cytogenetic location: 19q13.2.
Variant type: single nucleotide variant.
Coding change: c.1895T>C on transcript NM_000540.3 (MANE Select); coding-DNA position 1895, T replaced by C.
Protein change: p.Leu632Pro; replaces leucine 632 with proline.
Molecular consequence: missense variant.
Genome position (GRCh38, 1-based): chr19:38,457,600, T>C. VCF-style: chr19-38457600-T-C. GRCh37 (hg19) VCF-style: chr19-38948240-T-C.
Other names: c.1895T>C, p.Leu632Pro (NM_001042723.2); short protein forms L632P.
Identifiers: ClinVar variation 3387661 (VCV003387661.2).